The following is an entry in ClinVar:

ClinVar aggregate classification (germline): Likely pathogenic (1 of 4 stars; one submission).

Conditions:
Mucopolysaccharidosis, MPS-IV-A (MPS4A). Also called: Morquio syndrome A, mild; MORQUIO SYNDROME A; GALACTOSAMINE-6-SULFATASE DEFICIENCY; GALNS DEFICIENCY; MORQUIO A DISEASE; Mucopolysaccharidosis type IV A. Identifiers: Orphanet 309297, Orphanet 582, MedGen C0086651, MONDO:0009659, OMIM 253000.

gnomAD v4.1: 3 of 1,612,820 alleles (0.00019%); highest among the groups gnomAD compares: Non-Finnish European, 0.00025%; no homozygotes.

Submission:

Labcorp Genetics (formerly Invitae), Labcorp
Classification: Likely pathogenic for Mucopolysaccharidosis, MPS-IV-A. Last evaluated: 2023-09-08. Review status: criteria provided, single submitter. Criteria: Invitae Variant Classification Sherloc (09022015). Collection method: clinical testing. Allele origin: germline.
Comment: In summary, the currently available evidence indicates that the variant is pathogenic, but additional data are needed to prove that conclusively. Therefore, this variant has been classified as Likely Pathogenic. Algorithms developed to predict the effect of sequence changes on RNA splicing suggest that this variant may disrupt the consensus splice site. This sequence change affects a donor splice site in intron 5 of the GALNS gene. It is expected to disrupt RNA splicing. Variants that disrupt the donor or acceptor splice site typically lead to a loss of protein function (PMID: 16199547), and loss-of-function variants in GALNS are known to be pathogenic (PMID: 12442278). This variant is not present in population databases (gnomAD no frequency). This variant has not been reported in the literature in individuals affected with GALNS-related conditions.

Literature cited by the submitters: PubMed 16199547; PubMed 12442278.

NM_000512.5(GALNS):c.566+1G>A

Gene: GALNS (galactosamine (N-acetyl)-6-sulfatase; minus strand). Cytogenetic location: 16q24.3.
Variant type: single nucleotide variant.
Coding change: c.566+1G>A on transcript NM_000512.5 (MANE Select); the canonical splice donor site of the intron after coding-DNA position 566, G replaced by A.
Molecular consequence: splice donor variant.
Genome position (GRCh38, 1-based): chr16:88,837,621, C>T on the plus strand (G>A on the coding strand, the complement: GALNS is on the minus strand). VCF-style: chr16-88837621-C-T. GRCh37 (hg19) VCF-style: chr16-88904029-C-T.
Other names: c.11+1G>A (NM_001323543.2); c.584+1G>A (NM_001323544.2).
Identifiers: ClinVar variation 3011454 (VCV003011454.3), dbSNP rs200552694, ClinGen allele CA286404311.
Genomic context (GRCh38, chr16:88,837,621, plus strand): 5'-GGCAGGCACGCCGGGCACAGCAGTTCAGGACGTGGGAGGGGAAGGGGTGGGGCTCCATTA[C>T]CTGCCAACCATCTCCCAGTCCCTGTACACAGGGATGTTGGGCCTGGCCTTGTTGTCATAA-3'